The following is an entry in ClinVar:

ClinVar aggregate classification (germline): Pathogenic. Review status: criteria provided, single submitter (1 of 4 stars). 2 submissions from 2 submitters: Pathogenic (1). 1 of the submissions does not count toward it. Last evaluated 2024-08-05.

Conditions:
Alternating hemiplegia of childhood 2 (AHC2). Also called: Alternating Hemiplegia of Childhood (AHC). Identifiers: Orphanet 2131, MedGen C3553788, MONDO:0013900, OMIM 614820.
Dystonia 12 (DYT12). Also called: DYT-ATP1A3; Rapid-Onset Dystonia-Parkinsonism (RDP). Identifiers: Orphanet 71517, MedGen C1868681, MONDO:0007496, OMIM 128235.

Allele frequency attached by ClinVar (database versions not stated): gnomAD exomes below 0.00001.
gnomAD v4.1: 1 of 1,613,948 alleles (0.000062%); highest among the groups gnomAD compares: Admixed American, 0.0017%; no homozygotes.

Submissions (2):

Labcorp Genetics (formerly Invitae), Labcorp
Classification: Pathogenic for Dystonia 12. Last evaluated: 2024-08-05. Review status: criteria provided, single submitter. Criteria: Invitae Variant Classification Sherloc (09022015). Collection method: clinical testing. Allele origin: germline.
Comment: This sequence change replaces isoleucine, which is neutral and non-polar, with asparagine, which is neutral and polar, at codon 274 of the ATP1A3 protein (p.Ile274Asn). This variant is not present in population databases (gnomAD no frequency). This missense change has been observed in individual(s) with alternating hemiplegia of childhood (PMID: 22850527). In at least one individual the variant was observed to be de novo. ClinVar contains an entry for this variant (Variation ID: 161124). Advanced modeling of protein sequence and biophysical properties (such as structural, functional, and spatial information, amino acid conservation, physicochemical variation, residue mobility, and thermodynamic stability) performed at Invitae indicates that this missense variant is expected to disrupt ATP1A3 protein function with a positive predictive value of 95%. Experimental studies have shown that this missense change affects ATP1A3 function (PMID: 24631656, 32653672). For these reasons, this variant has been classified as Pathogenic.

OMIM
Classification: Pathogenic for ALTERNATING HEMIPLEGIA OF CHILDHOOD 2. Last evaluated: 2012-09-01. Review status: no assertion criteria provided. Collection method: literature only. Allele origin: germline. Not counted in ClinVar's aggregate classification.

Literature cited by the submitters: PubMed 22850527 (cited by Labcorp Genetics (formerly Invitae), Labcorp and OMIM); PubMed 24631656 (cited by Labcorp Genetics (formerly Invitae), Labcorp); PubMed 32653672 (cited by Labcorp Genetics (formerly Invitae), Labcorp).

NM_152296.5(ATP1A3):c.821T>A (p.Ile274Asn)

Gene: ATP1A3 (ATPase Na+/K+ transporting subunit alpha 3; minus strand). Cytogenetic location: 19q13.2.
Variant type: single nucleotide variant.
Coding change: c.821T>A on transcript NM_152296.5 (MANE Select); coding-DNA position 821, T replaced by A.
Protein change: p.Ile274Asn; replaces isoleucine 274 with asparagine.
Molecular consequence: missense variant.
Genome position (GRCh38, 1-based): chr19:41,985,090, A>T on the plus strand (T>A on the coding strand, the complement: ATP1A3 is on the minus strand). VCF-style: chr19-41985090-A-T. GRCh37 (hg19) VCF-style: chr19-42489242-A-T.
Other names: c.854T>A, p.Ile285Asn (NM_001256213.2); c.860T>A, p.Ile287Asn (NM_001256214.2); short protein forms I274N, I287N, I285N.
Identifiers: ClinVar variation 161124 (VCV000161124.5), dbSNP rs80356532, ClinGen allele CA346000.